The following is an entry in ClinVar:

NM_001065.4(TNFRSF1A):c.176G>C (p.Cys59Ser)

Gene: TNFRSF1A (TNF receptor superfamily member 1A; minus strand). Cytogenetic location: 12p13.31.
Variant type: single nucleotide variant.
Coding change: c.176G>C on transcript NM_001065.4 (MANE Select); coding-DNA position 176, G replaced by C.
Protein change: p.Cys59Ser; replaces cysteine 59 with serine.
Molecular consequence: missense variant. On other transcripts: 5 prime UTR variant (1), non-coding transcript variant (1), intron variant (1).
Genome position (GRCh38, 1-based): chr12:6,334,108, C>G on the plus strand (G>C on the coding strand, the complement: TNFRSF1A is on the minus strand). VCF-style: chr12-6334108-C-G. GRCh37 (hg19) VCF-style: chr12-6443274-C-G.
Other names: C30S; c.-402G>C (NM_001346092.2); c.-131-243G>C (NM_001346091.2); short protein forms C59S.
Identifiers: ClinVar variation 12342 (VCV000012342.11), dbSNP rs104895223, ClinGen allele CA280159.

ClinVar aggregate classification (germline): Pathogenic/Likely pathogenic. Review status: criteria provided, multiple submitters, no conflicts (2 of 4 stars). 5 submissions from 5 submitters: Pathogenic (1); Likely pathogenic (2). 2 of the submissions do not count toward it. Last evaluated 2026-01-19.

Conditions:
TNF receptor-associated periodic fever syndrome (TRAPS) (FPF). Also called: Autosomal Dominant Familial Periodic Fever; TNF Receptor-Associated Periodic Fever Syndrome; FAMILIAL HIBERNIAN FEVER; TNF receptor 1-associated periodic fever syndrome; TNF RECEPTOR-ASSOCIATED PERIODIC SYNDROME; TUMOR NECROSIS FACTOR RECEPTOR-ASSOCIATED PERIODIC SYNDROME. Identifiers: Orphanet 32960, MedGen C1275126, MONDO:0007727, OMIM 142680.

Allele frequency attached by ClinVar (database versions not stated): gnomAD exomes below 0.00001; ExAC 0.00001.

Submissions (5):

Molecular Genetics Laboratory, BC Children's and BC Women's Hospitals
Classification: Likely pathogenic for TNF receptor-associated periodic fever syndrome (TRAPS). Last evaluated: 2026-01-19. Review status: criteria provided, single submitter. Criteria: ACMG Guidelines, 2015. Collection method: clinical testing. Allele origin: germline. Affected: yes.

GeneDx
Classification: Likely pathogenic. Last evaluated: 2024-11-14. Review status: criteria provided, single submitter. Criteria: GeneDx Variant Classification Process June 2021. Collection method: clinical testing. Allele origin: germline. Affected: yes.
Comment: Not observed at significant frequency in large population cohorts (gnomAD); In silico analysis supports that this missense variant has a deleterious effect on protein structure/function; Also known as p.(C30S); This variant is associated with the following publications: (PMID: 10902757, 16684962, 20576331, 11722598, 10199409, 11443543)

Labcorp Genetics (formerly Invitae), Labcorp
Classification: Pathogenic for TNF receptor-associated periodic fever syndrome (TRAPS). Last evaluated: 2020-09-09. Review status: criteria provided, single submitter. Criteria: Invitae Variant Classification Sherloc (09022015). Collection method: clinical testing. Allele origin: germline.
Comment: This variant has been observed in several individuals and families affected with TNF receptor-associated periodic syndrome (TRAPS) (PMID: 10902757, 20576331, 11443543). This variant is also known as p.C30S in the literature. ClinVar contains an entry for this variant (Variation ID: 12342). For these reasons, this variant has been classified as Pathogenic. This variant disrupts the p.Cys59 amino acid residue in TNFRSF1A. Other variant(s) that disrupt this residue have been observed in individuals with TNFRSF1A-related conditions (PMID: 11722598, 15216558, 18408954, 10199409), which suggests that this may be a clinically significant amino acid residue. This variant has been reported to affect TNFRSF1A protein function (PMID: 16684962). This variant is present in population databases (rs104895223, ExAC 0.01%). This sequence change replaces cysteine with serine at codon 59 of the TNFRSF1A protein (p.Cys59Ser). The cysteine residue is highly conserved and there is a moderate physicochemical difference between cysteine and serine.

OMIM
Classification: Pathogenic for PERIODIC FEVER, FAMILIAL, AUTOSOMAL DOMINANT. Last evaluated: 2001-08-01. Review status: no assertion criteria provided. Collection method: literature only. Allele origin: germline. Not counted in ClinVar's aggregate classification.

Unité médicale des maladies autoinflammatoires, CHRU Montpellier
No classification provided. Condition: TNF receptor-associated periodic fever syndrome (TRAPS). Review status: no classification provided. Collection method: not provided. Allele origin: unknown. Not counted in ClinVar's aggregate classification.

Literature cited by the submitters: PubMed 10902757 (cited by Labcorp Genetics (formerly Invitae), Labcorp and OMIM); PubMed 20576331 (cited by Labcorp Genetics (formerly Invitae), Labcorp); PubMed 11443543 (cited by Labcorp Genetics (formerly Invitae), Labcorp and OMIM); PubMed 11722598 (cited by Labcorp Genetics (formerly Invitae), Labcorp); PubMed 15216558 (cited by Labcorp Genetics (formerly Invitae), Labcorp); PubMed 18408954 (cited by Labcorp Genetics (formerly Invitae), Labcorp); PubMed 10199409 (cited by Labcorp Genetics (formerly Invitae), Labcorp); PubMed 16684962 (cited by Labcorp Genetics (formerly Invitae), Labcorp).